The following is an entry in ClinVar:

ClinVar aggregate classification (germline): Uncertain significance (1 of 4 stars; one submission).

Allele frequency attached by ClinVar (database versions not stated): gnomAD 0.00002; TOPMed 0.00002.
gnomAD v4.1: 27 of 1,605,806 alleles (0.0017%); highest among the groups gnomAD compares: Non-Finnish European, 0.0021%; no homozygotes.

Submission:

Labcorp Genetics (formerly Invitae), Labcorp
Classification: Uncertain significance. Last evaluated: 2022-04-25. Review status: criteria provided, single submitter. Criteria: Invitae Variant Classification Sherloc (09022015). Collection method: clinical testing. Allele origin: germline.
Comment: In summary, the available evidence is currently insufficient to determine the role of this variant in disease. Therefore, it has been classified as a Variant of Uncertain Significance. Algorithms developed to predict the effect of missense changes on protein structure and function are either unavailable or do not agree on the potential impact of this missense change (SIFT: "Deleterious"; PolyPhen-2: "Possibly Damaging"; Align-GVGD: "Class C0"). This variant has not been reported in the literature in individuals affected with FUK-related conditions. The frequency data for this variant in the population databases is considered unreliable, as metrics indicate poor data quality at this position in the gnomAD database. This sequence change replaces threonine, which is neutral and polar, with asparagine, which is neutral and polar, at codon 830 of the FUK protein (p.Thr830Asn).

NM_145059.3(FCSK):c.2489C>A (p.Thr830Asn)

Gene: FCSK (fucose kinase; plus strand). Cytogenetic location: 16q22.1.
Variant type: single nucleotide variant.
Coding change: c.2489C>A on transcript NM_145059.3 (MANE Select); coding-DNA position 2489, C replaced by A.
Protein change: p.Thr830Asn; replaces threonine 830 with asparagine.
Molecular consequence: missense variant.
Genome position (GRCh38, 1-based): chr16:70,475,461, C>A. VCF-style: chr16-70475461-C-A. GRCh37 (hg19) VCF-style: chr16-70509364-C-A.
Other names: short protein forms T830N.
Identifiers: ClinVar variation 1921312 (VCV001921312.5), dbSNP rs1328794238, ClinGen allele CA396573651.